The following is an entry in ClinVar:

ClinVar aggregate classification (germline): Conflicting classifications of pathogenicity. Review status: criteria provided, conflicting classifications (1 of 4 stars). 2 submissions from 2 submitters: Uncertain significance (1); Likely benign (1). Last evaluated 2025-06-11.

gnomAD v4.1: 4 of 1,560,260 alleles (0.00026%); highest among the groups gnomAD compares: African/African-American, 0.0054%; no homozygotes.

Submissions (2):

Women's Health and Genetics/Laboratory Corporation of America, LabCorp
Classification: Uncertain significance. Last evaluated: 2025-06-11. Review status: criteria provided, single submitter. Criteria: LabCorp Variant Classification Summary - May 2015. Collection method: clinical testing. Allele origin: germline.
Comment: Variant summary: CACNA1G c.5734G>A (p.Ala1912Thr) results in a non-conservative amino acid change in the encoded protein sequence. Algorithms developed to predict the effect of missense changes on protein structure and function are either unavailable or do not agree on the potential impact of this missense change. The variant allele was found at a frequency of 9.8e-06 in 203890 control chromosomes. The available data on variant occurrences in the general population are insufficient to allow any conclusion about variant significance. To our knowledge, no occurrence of c.5734G>A in individuals affected with Spinocerebellar Ataxia Type 42 and no experimental evidence demonstrating its impact on protein function have been reported. No submitters have cited clinical-significance assessments for this variant to ClinVar. Based on the evidence outlined above, the variant was classified as uncertain significance.

Blueprint Genetics
Classification: Likely benign. Last evaluated: 2022-09-07. Review status: criteria provided, single submitter. Criteria: ACMG Guidelines, 2015. Collection method: clinical testing. Allele origin: germline.

NM_018896.5(CACNA1G):c.5734G>A (p.Ala1912Thr)

Gene: CACNA1G (calcium voltage-gated channel subunit alpha1 G; plus strand). Cytogenetic location: 17q21.33.
Variant type: single nucleotide variant.
Coding change: c.5734G>A on transcript NM_018896.5 (MANE Select); coding-DNA position 5734, G replaced by A.
Protein change: p.Ala1912Thr; replaces alanine 1912 with threonine.
Molecular consequence: missense variant. On other transcripts: non-coding transcript variant (5).
Genome position (GRCh38, 1-based): chr17:50,618,961, G>A. VCF-style: chr17-50618961-G-A. GRCh37 (hg19) VCF-style: chr17-48696322-G-A.
Other names: c.5680G>A, p.Ala1894Thr (NM_001256324.2, NM_198386.3); c.5755G>A, p.Ala1919Thr (NM_001256325.2); c.5599G>A, p.Ala1867Thr (NM_001256326.2, NM_001256330.2); c.5713G>A, p.Ala1905Thr (NM_001256327.2); c.5659G>A, p.Ala1887Thr (NM_001256328.2); c.5632G>A, p.Ala1878Thr (NM_001256329.2, NM_198376.3, NM_198379.3 and 2 more transcripts); c.5578G>A, p.Ala1860Thr (NM_001256331.2); c.5563G>A, p.Ala1855Thr (NM_001256332.2); and 7 more; short protein forms A1855T, A1860T, A1867T, A1871T, A1874T, A1876T, A1878T, A1885T.
Identifiers: ClinVar variation 3907222 (VCV003907222.2).